The following is an entry in ClinVar:

ClinVar aggregate classification (germline): Uncertain significance. Review status: criteria provided, multiple submitters, no conflicts (2 of 4 stars). 3 submissions from 3 submitters: Uncertain significance (3). Last evaluated 2025-09-28.

Conditions:
Hyperuricemia, pulmonary hypertension, renal failure, alkalosis syndrome (HUPRAS). Also called: HYPERURICEMIA, PULMONARY HYPERTENSION, RENAL FAILURE, AND ALKALOSIS SYNDROME; HUPRA SYNDROME. Identifiers: Orphanet 363694, MedGen C3151209, MONDO:0013458, OMIM 613845.

Allele frequency attached by ClinVar (database versions not stated): gnomAD 0.00001; TOPMed 0.00002.
gnomAD v4.1: 11 of 1,613,768 alleles (0.00068%); highest among the groups gnomAD compares: African/African-American, 0.0013%; no homozygotes.

Submissions (3):

Ambry Genetics
Classification: Uncertain significance. Last evaluated: 2025-09-28. Review status: criteria provided, single submitter. Criteria: Ambry Variant Classification Scheme 2023. Collection method: clinical testing. Allele origin: germline.

Labcorp Genetics (formerly Invitae), Labcorp
Classification: Uncertain significance. Last evaluated: 2024-10-25. Review status: criteria provided, single submitter. Criteria: Invitae Variant Classification Sherloc (09022015). Collection method: clinical testing. Allele origin: germline.
Comment: This sequence change replaces arginine, which is basic and polar, with histidine, which is basic and polar, at codon 432 of the SARS2 protein (p.Arg432His). This variant is present in population databases (no rsID available, gnomAD 0.004%). This variant has not been reported in the literature in individuals affected with SARS2-related conditions. ClinVar contains an entry for this variant (Variation ID: 1909419). An algorithm developed to predict the effect of missense changes on protein structure and function (PolyPhen-2) suggests that this variant is likely to be disruptive. In summary, the available evidence is currently insufficient to determine the role of this variant in disease. Therefore, it has been classified as a Variant of Uncertain Significance.

Fulgent Genetics
Classification: Uncertain significance for Hyperuricemia, pulmonary hypertension, renal failure, alkalosis syndrome. Last evaluated: 2024-02-28. Review status: criteria provided, single submitter. Criteria: ACMG Guidelines, 2015. Collection method: clinical testing. Allele origin: germline.

NM_017827.4(SARS2):c.1295G>A (p.Arg432His)

Gene: SARS2 (seryl-tRNA synthetase 2, mitochondrial; minus strand). Cytogenetic location: 19q13.2.
Variant type: single nucleotide variant.
Coding change: c.1295G>A on transcript NM_017827.4 (MANE Select); coding-DNA position 1295, G replaced by A.
Protein change: p.Arg432His; replaces arginine 432 with histidine.
Molecular consequence: missense variant.
Genome position (GRCh38, 1-based): chr19:38,916,089, C>T on the plus strand (G>A on the coding strand, the complement: SARS2 is on the minus strand). VCF-style: chr19-38916089-C-T. GRCh37 (hg19) VCF-style: chr19-39406729-C-T.
Other names: c.1301G>A, p.Arg434His (NM_001145901.2); short protein forms R432H, R434H.
Identifiers: ClinVar variation 1909419 (VCV001909419.8), dbSNP rs868274394, ClinGen allele CA405735704.